The following is an entry in ClinVar:

NM_020549.5(CHAT):c.419A>C (p.Gln140Pro)

Gene: CHAT (choline O-acetyltransferase; plus strand). Cytogenetic location: 10q11.23.
Variant type: single nucleotide variant.
Coding change: c.419A>C on transcript NM_020549.5 (MANE Select); coding-DNA position 419, A replaced by C.
Protein change: p.Gln140Pro; replaces glutamine 140 with proline.
Molecular consequence: missense variant.
Genome position (GRCh38, 1-based): chr10:49,619,756, A>C. VCF-style: chr10-49619756-A-C. GRCh37 (hg19) VCF-style: chr10-50827802-A-C.
Other names: c.65A>C, p.Gln22Pro (NM_001142929.2, NM_001142934.2, NM_020984.4 and 2 more transcripts); c.173A>C, p.Gln58Pro (NM_001142933.2); short protein forms Q140P, Q22P, Q58P.
Identifiers: ClinVar variation 1983048 (VCV001983048.3), dbSNP rs991870744, ClinGen allele CA376726748.
Genomic context (GRCh38, chr10:49,619,756, plus strand): 5'-GCACAATGCCTATGAACCCTTTCTTCCAGGGGCTGCCCAAACTGCCCGTGCCCCCGCTGC[A>C]GCAGACCCTGGCCACGTACCTGCAGTGCATGCGACACTTGGTGTCTGAGGAGCAGTTCAG-3'
Protein context (NP_065574.4, residues 130-150): GLPKLPVPPL[Gln140Pro]QTLATYLQCM

ClinVar aggregate classification (germline): Uncertain significance (1 of 4 stars; one submission).

Conditions:
Familial infantile myasthenia (CMS6). Also called: MYASTHENIC SYNDROME, PRESYNAPTIC, CONGENITAL, ASSOCIATED WITH EPISODIC APNEA; Congenital myasthenic syndrome type 6; MYASTHENIC SYNDROME, CONGENITAL, 6, PRESYNAPTIC. Identifiers: Orphanet 590, MedGen C0393929, MONDO:0009689, OMIM 254210.

gnomAD v4.1: 4 of 1,613,430 alleles (0.00025%); highest among the groups gnomAD compares: South Asian, 0.0022%; no homozygotes.

Submission:

Labcorp Genetics (formerly Invitae), Labcorp
Classification: Uncertain significance for Familial infantile myasthenia. Last evaluated: 2025-04-09. Review status: criteria provided, single submitter. Criteria: Invitae Variant Classification Sherloc (09022015). Collection method: clinical testing. Allele origin: germline.
Comment: This sequence change replaces glutamine, which is neutral and polar, with proline, which is neutral and non-polar, at codon 140 of the CHAT protein (p.Gln140Pro). This variant is present in population databases (no rsID available, gnomAD 0.003%). This variant has not been reported in the literature in individuals affected with CHAT-related conditions. ClinVar contains an entry for this variant (Variation ID: 1983048). Invitae Evidence Modeling of protein sequence and biophysical properties (such as structural, functional, and spatial information, amino acid conservation, physicochemical variation, residue mobility, and thermodynamic stability) indicates that this missense variant is not expected to disrupt CHAT protein function with a negative predictive value of 95%. In summary, the available evidence is currently insufficient to determine the role of this variant in disease. Therefore, it has been classified as a Variant of Uncertain Significance.